The following is an entry in ClinVar:

NM_017671.5(FERMT1):c.1564C>T (p.Arg522Trp)

Gene: FERMT1 (FERM domain containing kindlin 1; minus strand). Cytogenetic location: 20p12.3.
Variant type: single nucleotide variant.
Coding change: c.1564C>T on transcript NM_017671.5 (MANE Select); coding-DNA position 1564, C replaced by T.
Protein change: p.Arg522Trp; replaces arginine 522 with tryptophan.
Molecular consequence: missense variant.
Genome position (GRCh38, 1-based): chr20:6,085,095, G>A on the plus strand (C>T on the coding strand, the complement: FERMT1 is on the minus strand). VCF-style: chr20-6085095-G-A. GRCh37 (hg19) VCF-style: chr20-6065742-G-A.
Other names: c.1564C>T (NM_017671.4); short protein forms R522W.
Identifiers: ClinVar variation 1425747 (VCV001425747.7), dbSNP rs139184940, ClinGen allele CA9758115.

ClinVar aggregate classification (germline): Uncertain significance. Review status: criteria provided, multiple submitters, no conflicts (2 of 4 stars). 2 submissions from 2 submitters: Uncertain significance (2). Last evaluated 2025-08-04.

Conditions:
Inborn genetic diseases. Identifiers: MedGen C0950123, MeSH D030342.

Allele frequency attached by ClinVar (database versions not stated): ExAC 0.00002; gnomAD 0.00002 and 0.00003; gnomAD exomes 0.00004; TOPMed 0.00005; ESP Exome Variant Server 0.00008; 1000 Genomes Project 0.00020; 1000 Genomes Project 30x 0.00031.
gnomAD v4.1: 35 of 1,613,990 alleles (0.0022%); highest among the groups gnomAD compares: Middle Eastern, 0.016%; no homozygotes.

Submissions (2):

Ambry Genetics
Classification: Uncertain significance for Inborn genetic diseases. Last evaluated: 2025-08-04. Review status: criteria provided, single submitter. Criteria: Ambry Variant Classification Scheme 2023. Collection method: clinical testing. Allele origin: germline.

Labcorp Genetics (formerly Invitae), Labcorp
Classification: Uncertain significance. Last evaluated: 2022-06-26. Review status: criteria provided, single submitter. Criteria: Invitae Variant Classification Sherloc (09022015). Collection method: clinical testing. Allele origin: germline.
Comment: This sequence change replaces arginine, which is basic and polar, with tryptophan, which is neutral and slightly polar, at codon 522 of the FERMT1 protein (p.Arg522Trp). This variant is present in population databases (rs139184940, gnomAD 0.007%). This variant has not been reported in the literature in individuals affected with FERMT1-related conditions. Algorithms developed to predict the effect of missense changes on protein structure and function are either unavailable or do not agree on the potential impact of this missense change (SIFT: "Deleterious"; PolyPhen-2: "Probably Damaging"; Align-GVGD: "Class C0"). In summary, the available evidence is currently insufficient to determine the role of this variant in disease. Therefore, it has been classified as a Variant of Uncertain Significance.